The following is an entry in ClinVar:

ClinVar aggregate classification (germline): Uncertain significance. Review status: criteria provided, multiple submitters, no conflicts (2 of 4 stars). 2 submissions from 2 submitters: Uncertain significance (2). Last evaluated 2025-09-03.

Conditions:
Inborn genetic diseases. Identifiers: MedGen C0950123, MeSH D030342.

Allele frequency attached by ClinVar (database versions not stated): ExAC 0.00001; gnomAD 0.00001; TOPMed 0.00001.
gnomAD v4.1: 20 of 1,613,378 alleles (0.0012%); highest among the groups gnomAD compares: Middle Eastern, 0.016%; no homozygotes.

Submissions (2):

Labcorp Genetics (formerly Invitae), Labcorp
Classification: Uncertain significance. Last evaluated: 2025-09-03. Review status: criteria provided, single submitter. Criteria: Invitae Variant Classification Sherloc (09022015). Collection method: clinical testing. Allele origin: germline.
Comment: This sequence change replaces arginine, which is basic and polar, with glutamine, which is neutral and polar, at codon 946 of the AP3D1 protein (p.Arg946Gln). This variant is present in population databases (rs762951857, gnomAD 0.006%). This variant has not been reported in the literature in individuals affected with AP3D1-related conditions. ClinVar contains an entry for this variant (Variation ID: 2419402). An algorithm developed to predict the effect of missense changes on protein structure and function (PolyPhen-2) suggests that this variant is likely to be tolerated. In summary, the available evidence is currently insufficient to determine the role of this variant in disease. Therefore, it has been classified as a Variant of Uncertain Significance.

Ambry Genetics
Classification: Uncertain significance for Inborn genetic diseases. Last evaluated: 2023-02-14. Review status: criteria provided, single submitter. Criteria: Ambry Variant Classification Scheme 2023. Collection method: clinical testing. Allele origin: germline.

NM_001261826.3(AP3D1):c.2837G>A (p.Arg946Gln)

Gene: AP3D1 (adaptor related protein complex 3 subunit delta 1; minus strand). Cytogenetic location: 19p13.3.
Variant type: single nucleotide variant.
Coding change: c.2837G>A on transcript NM_001261826.3 (MANE Select); coding-DNA position 2837, G replaced by A.
Protein change: p.Arg946Gln; replaces arginine 946 with glutamine.
Molecular consequence: missense variant.
Genome position (GRCh38, 1-based): chr19:2,111,779, C>T on the plus strand (G>A on the coding strand, the complement: AP3D1 is on the minus strand). VCF-style: chr19-2111779-C-T. GRCh37 (hg19) VCF-style: chr19-2111778-C-T.
Other names: c.2801G>A, p.Arg934Gln (NM_001374799.1); c.2651G>A, p.Arg884Gln (NM_003938.8); c.2651G>A (NM_003938.5); short protein forms R884Q, R934Q, R946Q.
Identifiers: ClinVar variation 2419402 (VCV002419402.8), dbSNP rs762951857, ClinGen allele CA9058697.